The following is an entry in ClinVar:

ClinVar aggregate classification (germline): Uncertain significance (1 of 4 stars; one submission).

Conditions:
Emery-Dreifuss muscular dystrophy 5, autosomal dominant (EDMD5). Also called: EMERY-DREIFUSS MUSCULAR DYSTROPHY 5. Identifiers: Orphanet 261, MedGen C2751805, MONDO:0013072, OMIM 612999.

Submission:

Labcorp Genetics (formerly Invitae), Labcorp
Classification: Uncertain significance for Emery-Dreifuss muscular dystrophy 5, autosomal dominant. Last evaluated: 2025-04-11. Review status: criteria provided, single submitter. Criteria: Invitae Variant Classification Sherloc (09022015). Collection method: clinical testing. Allele origin: germline.
Comment: This sequence change creates a premature translational stop signal (p.Asn5926Ilefs*26) in the SYNE2 gene. It is expected to result in an absent or disrupted protein product. However, the current clinical and genetic evidence is not sufficient to establish whether loss-of-function variants in SYNE2 cause disease. This variant is not present in population databases (gnomAD no frequency). This variant has not been reported in the literature in individuals affected with SYNE2-related conditions. In summary, the available evidence is currently insufficient to determine the role of this variant in disease. Therefore, it has been classified as a Variant of Uncertain Significance.

NM_182914.3(SYNE2):c.17777del (p.Asn5926fs)

Gene: SYNE2 (spectrin repeat containing nuclear envelope protein 2; plus strand). Cytogenetic location: 14q23.2.
Variant type: Deletion.
Coding change: c.17777del on transcript NM_182914.3 (MANE Select); coding-DNA position 17777, one base deleted (A; older notation c.17777delA).
Protein change: p.Asn5926fs; shifts the reading frame from asparagine 5926.
Molecular consequence: frameshift variant.
Genome position (GRCh38, 1-based): chr14:64,188,614, A deleted; the last of 7 consecutive A bases (chr14:64,188,608-64,188,614); deleting any one gives the same sequence. VCF-style (leftmost placement, unchanged base first): chr14-64188607-GA-G. GRCh37 (hg19) VCF-style: chr14-64655325-GA-G.
Other names: c.17777del, p.Asn5926fs (NM_015180.6); short protein forms N5926fs.
Identifiers: ClinVar variation 4707770 (VCV004707770.1).